The following is an entry in ClinVar:

NM_015214.3(DDHD2):c.139T>G (p.Cys47Gly)

Gene: DDHD2 (DDHD domain containing 2; plus strand). Cytogenetic location: 8p11.23.
Variant type: single nucleotide variant.
Coding change: c.139T>G on transcript NM_015214.3 (MANE Select); coding-DNA position 139, T replaced by G.
Protein change: p.Cys47Gly; replaces cysteine 47 with glycine.
Molecular consequence: missense variant. On other transcripts: non-coding transcript variant (2).
Genome position (GRCh38, 1-based): chr8:38,233,133, T>G. VCF-style: chr8-38233133-T-G. GRCh37 (hg19) VCF-style: chr8-38090651-T-G.
Other names: c.139T>G, p.Cys47Gly (NM_001164232.2, NM_001164234.2, NM_001362911.2 and 3 more transcripts); short protein forms C47G.
Identifiers: ClinVar variation 1043758 (VCV001043758.5), dbSNP rs200883537, ClinGen allele CA4715896.

ClinVar aggregate classification (germline): Uncertain significance. Review status: criteria provided, multiple submitters, no conflicts (2 of 4 stars). 2 submissions from 2 submitters: Uncertain significance (2). Last evaluated 2024-03-04.

Conditions:
Hereditary spastic paraplegia 54. Also called: Spastic paraplegia 54, autosomal recessive. Identifiers: Orphanet 320380, MedGen C3539495, MONDO:0014018, OMIM 615033.

Allele frequency attached by ClinVar (database versions not stated): gnomAD 0.00004 and 0.00005; TOPMed 0.00004; gnomAD exomes 0.00006 and 0.00016; 1000 Genomes Project 30x 0.00016; ExAC 0.00018; 1000 Genomes Project 0.00020.

Submissions (2):

Labcorp Genetics (formerly Invitae), Labcorp
Classification: Uncertain significance for Hereditary spastic paraplegia 54. Last evaluated: 2024-03-04. Review status: criteria provided, single submitter. Criteria: Invitae Variant Classification Sherloc (09022015). Collection method: clinical testing. Allele origin: germline.
Comment: This sequence change replaces cysteine, which is neutral and slightly polar, with glycine, which is neutral and non-polar, at codon 47 of the DDHD2 protein (p.Cys47Gly). This variant is present in population databases (rs200883537, gnomAD 0.2%). This variant has not been reported in the literature in individuals affected with DDHD2-related conditions. ClinVar contains an entry for this variant (Variation ID: 1043758). Advanced modeling of protein sequence and biophysical properties (such as structural, functional, and spatial information, amino acid conservation, physicochemical variation, residue mobility, and thermodynamic stability) performed at Invitae indicates that this missense variant is not expected to disrupt DDHD2 protein function with a negative predictive value of 80%. Algorithms developed to predict the effect of sequence changes on RNA splicing suggest that this variant may create or strengthen a splice site. In summary, the available evidence is currently insufficient to determine the role of this variant in disease. Therefore, it has been classified as a Variant of Uncertain Significance.

Breakthrough Genomics
Classification: Uncertain significance. Review status: criteria provided, single submitter. Criteria: ACMG Guidelines, 2015. Collection method: not provided. Allele origin: germline. Inheritance: Autosomal recessive inheritance. Affected: yes.